The following is an entry in ClinVar:

ClinVar aggregate classification (germline): Pathogenic (1 of 4 stars; one submission).

Submission:

GeneDx
Classification: Pathogenic. Last evaluated: 2016-11-02. Review status: criteria provided, single submitter. Criteria: GeneDx Variant Classification (06012015). Collection method: clinical testing. Allele origin: germline. Affected: yes.
Comment: A apparently de novo c.1662 G>C pathogenic variant has been identified in the SCN1A gene. The c.1662 G>C variant has not been published as a pathogenic variant, nor has it been reported as a benign variant to our knowledge. However, a different nucleotide substitution (c.1662 G>T) resulting in the same amino acid change (Q554H) has been reported previously as a de novo variant in an individual with Dravet syndrome (Gaily et al., 2013). Additionally, a different missense change at the same position (Q554R) has also been reported as a de novo variant in an individual with Dravet syndrome (Skjei et al., 2015). The c.1662 G>C variant was not observed in approximately 6,500 individuals of European and African American ancestry in the NHLBI Exome Sequencing Project, indicating it is not a common benign variant in these populations. Several in-silico splice prediction models predict that c.1662 G>C damages or destroys the natural donor site for intron 10 and may lead to abnormal gene splicing. However, in the absence of RNA/functional studies, the actual effect of this sequence change in this individual is unknown. If the c.1662 G>C variant does not affect splicing, it will result in a Q554H missense variant. The Q554H variant is a semi-conservative amino acid substitution, which may impact secondary protein structure as these residues differ in some properties. This substitution occurs at a conserved position predicted to be in the cytoplasmic loop between the first and second homologous domains. In silico analysis predicts this variant is probably damaging to the protein structure/function. Therefore, we now interpret c.1662 G>C as a pathogenic variant.

NM_001165963.4(SCN1A):c.1662G>C (p.Gln554His)

Gene: SCN1A (sodium voltage-gated channel alpha subunit 1; minus strand). Cytogenetic location: 2q24.3.
Variant type: single nucleotide variant.
Coding change: c.1662G>C on transcript NM_001165963.4 (MANE Select); coding-DNA position 1662, G replaced by C.
Protein change: p.Gln554His; replaces glutamine 554 with histidine.
Molecular consequence: missense variant. On other transcripts: 5 prime UTR variant (1), non-coding transcript variant (1).
Genome position (GRCh38, 1-based): chr2:166,045,043, C>G on the plus strand (G>C on the coding strand, the complement: SCN1A is on the minus strand). VCF-style: chr2-166045043-C-G. GRCh37 (hg19) VCF-style: chr2-166901553-C-G.
Other names: c.1662G>C, p.Gln554His (NM_001165964.3, NM_001202435.3, NM_001353948.2 and 7 more transcripts); c.1659G>C, p.Gln553His (NM_001353954.2, NM_001353955.2, NM_001353960.2); c.-764G>C (NM_001353961.2); short protein forms Q554H, Q553H.
Identifiers: ClinVar variation 373008 (VCV000373008.1), dbSNP rs796052977, ClinGen allele CA16042368.
Genomic context (GRCh38, chr2:166,045,043, plus strand): 5'-CCCCCTCTCTCCCATGTTTTAATTTTCAACCATGCATCAGTAAACTCAGCAGTGCCATAC[C>G]TGGTGTGGGGAGGAGTACCTCTTTTCATATGTCAATCGGTTCCCTTCAATGGAGAAGCGA-3'
Protein context (NP_001159435.1, residues 544-564): TYEKRYSSPH[Gln554His]SLLSIRGSLF